The following is an entry in ClinVar:

NM_024597.4(MAP7D3):c.39C>T (p.Ser13=)

Genes: MAP7D3 (MAP7 domain containing 3; minus strand), LOC130068748 (ATAC-STARR-seq lymphoblastoid silent region 21026; plus strand). Cytogenetic location: Xq26.3.
Variant type: single nucleotide variant.
Coding change: c.39C>T on transcript NM_024597.4 (MANE Select); coding-DNA position 39, C replaced by T.
Protein change: p.Ser13=; no amino-acid change (serine 13 retained).
Molecular consequence: synonymous variant. On other transcripts: intron variant (1).
Genome position (GRCh38, 1-based): chrX:136,251,320, G>A on the plus strand (C>T on the coding strand, the complement: MAP7D3 is on the minus strand). VCF-style: chrX-136251320-G-A. GRCh37 (hg19) VCF-style: chrX-135333479-G-A.
Other names: c.39C>T, p.Ser13= (NM_001173517.2); c.17-4979C>T (NM_001173516.1).
Identifiers: ClinVar variation 4822888 (VCV004822888.4).
Genomic context (GRCh38, chrX:136,251,320, plus strand): 5'-CCACCCCCGGGAGCCACCCGCCCGCTCACCCATCCGTGCCCGCAGCTCTCTCAAGGATGG[G>A]CTGCCGCCAGCGCCAGCTGCGGCGCCGTCCGCCATCATCGGAGTCGGGACCGGAGGCGGT-3'
Protein context (NP_078873.2, residues 3-23): ADGAAAGAGG[Ser13=]PSLRELRARM

ClinVar aggregate classification (germline): Likely benign (1 of 4 stars; one submission).

Submission:

CeGaT Center for Human Genetics Tuebingen
Classification: Likely benign. Last evaluated: 2026-01-01. Review status: criteria provided, single submitter. Criteria: CeGaT Center For Human Genetics Tuebingen Variant Classification Criteria Version 2. Collection method: clinical testing. Allele origin: germline. Affected: yes. Observed: 1 variant allele.
Comment: MAP7D3: PM2:Supporting, BP4, BP7